The following is an entry in ClinVar:

ClinVar aggregate classification (germline): Uncertain significance (1 of 4 stars; one submission).

Conditions:
Gorlin syndrome. Also called: Nevoid Basal Cell Carcinoma Syndrome; Basal cell nevus syndrome. Identifiers: Orphanet 377, MedGen C0004779, MONDO:0007187.

Allele frequency attached by ClinVar (database versions not stated): TOPMed 0.00001; ExAC 0.00002; gnomAD 0.00002 and 0.00003; gnomAD exomes 0.00002; 1000 Genomes Project 30x 0.00016; 1000 Genomes Project 0.00020.
gnomAD v4.1: 24 of 1,613,776 alleles (0.0015%); highest among the groups gnomAD compares: East Asian, 0.0067%; no homozygotes.

Submission:

Labcorp Genetics (formerly Invitae), Labcorp
Classification: Uncertain significance for Gorlin syndrome. Last evaluated: 2023-08-21. Review status: criteria provided, single submitter. Criteria: Invitae Variant Classification Sherloc (09022015). Collection method: clinical testing. Allele origin: germline.
Comment: This sequence change replaces valine, which is neutral and non-polar, with isoleucine, which is neutral and non-polar, at codon 978 of the PTCH2 protein (p.Val978Ile). This variant is present in population databases (rs201618166, gnomAD 0.01%). In summary, the available evidence is currently insufficient to determine the role of this variant in disease. Therefore, it has been classified as a Variant of Uncertain Significance. Advanced modeling of protein sequence and biophysical properties (such as structural, functional, and spatial information, amino acid conservation, physicochemical variation, residue mobility, and thermodynamic stability) performed at Invitae indicates that this missense variant is not expected to disrupt PTCH2 protein function. ClinVar contains an entry for this variant (Variation ID: 1411873). This variant has not been reported in the literature in individuals affected with PTCH2-related conditions.

NM_003738.5(PTCH2):c.2932G>A (p.Val978Ile)

Gene: PTCH2 (patched 2; minus strand). Cytogenetic location: 1p34.1.
Variant type: single nucleotide variant.
Coding change: c.2932G>A on transcript NM_003738.5 (MANE Select); coding-DNA position 2932, G replaced by A.
Protein change: p.Val978Ile; replaces valine 978 with isoleucine.
Molecular consequence: missense variant.
Genome position (GRCh38, 1-based): chr1:44,826,532, C>T on the plus strand (G>A on the coding strand, the complement: PTCH2 is on the minus strand). VCF-style: chr1-44826532-C-T. GRCh37 (hg19) VCF-style: chr1-45292204-C-T.
Other names: c.2932G>A, p.Val978Ile (NM_001166292.2); short protein forms V978I.
Identifiers: ClinVar variation 1411873 (VCV001411873.6), dbSNP rs201618166, ClinGen allele CA822854.